The following is an entry in ClinVar:

ClinVar aggregate classification (germline): Conflicting classifications of pathogenicity. Review status: criteria provided, conflicting classifications (1 of 4 stars). 3 submissions from 3 submitters: Uncertain significance (2); Likely benign (1). Last evaluated 2025-01-21.

Conditions:
Hereditary cancer-predisposing syndrome. Also called: Tumor predisposition; Hereditary neoplastic syndrome; Neoplastic Syndromes, Hereditary; Hereditary Cancer Syndrome. Identifiers: Orphanet 140162, MedGen C0027672, MeSH D009386, MONDO:0015356.
Hereditary breast ovarian cancer syndrome. Also called: Hereditary breast and ovarian cancer syndrome (HBOC); Breast and ovarian cancer; BRCA1- and BRCA2-Associated Hereditary Breast and Ovarian Cancer; Hereditary breast and/or ovarian cancer syndrome; Hereditary breast and ovarian cancer syndrome; Hereditary breast and ovarian cancer. Identifiers: Orphanet 145, MedGen C0677776, MeSH D061325, MONDO:0003582. Disease mechanism: loss of function.

Submissions (3):

Labcorp Genetics (formerly Invitae), Labcorp
Classification: Uncertain significance for Hereditary breast ovarian cancer syndrome. Last evaluated: 2025-01-21. Review status: criteria provided, single submitter. Criteria: Invitae Variant Classification Sherloc (09022015). Collection method: clinical testing. Allele origin: germline.
Comment: This sequence change replaces asparagine, which is neutral and polar, with serine, which is neutral and polar, at codon 433 of the BRCA2 protein (p.Asn433Ser). This variant is not present in population databases (gnomAD no frequency). This variant has not been reported in the literature in individuals affected with BRCA2-related conditions. ClinVar contains an entry for this variant (Variation ID: 818835). Invitae Evidence Modeling of protein sequence and biophysical properties (such as structural, functional, and spatial information, amino acid conservation, physicochemical variation, residue mobility, and thermodynamic stability) indicates that this missense variant is not expected to disrupt BRCA2 protein function with a negative predictive value of 95%. In summary, the available evidence is currently insufficient to determine the role of this variant in disease. Therefore, it has been classified as a Variant of Uncertain Significance.

Ambry Genetics
Classification: Uncertain significance for Hereditary cancer-predisposing syndrome. Last evaluated: 2023-10-13. Review status: criteria provided, single submitter. Criteria: Ambry Variant Classification Scheme 2023. Collection method: clinical testing. Allele origin: germline.
Comment: The p.N433S variant (also known as c.1298A>G), located in coding exon 9 of the BRCA2 gene, results from an A to G substitution at nucleotide position 1298. The asparagine at codon 433 is replaced by serine, an amino acid with highly similar properties. This amino acid position is poorly conserved in available vertebrate species. In addition, this alteration is predicted to be tolerated by in silico analysis. Since supporting evidence is limited at this time, the clinical significance of this alteration remains unclear.

University of Washington Department of Laboratory Medicine, University of Washington
Classification: Likely benign for Hereditary cancer-predisposing syndrome. Last evaluated: 2023-03-23. Review status: criteria provided, single submitter. Criteria: Dines et al. (Genet Med. 2020). Collection method: curation. Allele origin: germline.
Comment: Missense variant in a coldspot region where missense variants are very unlikely to be pathogenic (PMID:31911673).

BRCA2 exon 10 coldspot. Reclassification based on statistical prior probability.

NM_000059.4(BRCA2):c.1298A>G (p.Asn433Ser)

Gene: BRCA2 (BRCA2 DNA repair associated; plus strand). Cytogenetic location: 13q13.1.
Variant type: single nucleotide variant.
Coding change: c.1298A>G on transcript NM_000059.4 (MANE Select); coding-DNA position 1298, A replaced by G.
Protein change: p.Asn433Ser; replaces asparagine 433 with serine.
Molecular consequence: missense variant.
Genome position (GRCh38, 1-based): chr13:32,332,776, A>G. VCF-style: chr13-32332776-A-G. GRCh37 (hg19) VCF-style: chr13-32906913-A-G.
Other names: short protein forms N433S.
Identifiers: ClinVar variation 818835 (VCV000818835.14), dbSNP rs1593892451, ClinGen allele CA387762520.